The following is an entry in ClinVar:

ClinVar aggregate classification (germline): Benign/Likely benign. Review status: criteria provided, multiple submitters, no conflicts (2 of 4 stars). 12 submissions from 12 submitters: Benign (6); Likely benign (1). 5 of the submissions do not count toward it. Last evaluated 2026-02-04.

Conditions:
Inborn genetic diseases. Identifiers: MedGen C0950123, MeSH D030342.
Acquired hemoglobin H disease (ATMDS). Also called: Alpha-thalassemia myelodysplasia syndrome, somatic; Alpha-thalassemia-myelodysplastic syndrome; Alpha-thalassemia myelodysplasia syndrome. Identifiers: Orphanet 231401, MedGen C0585216, MONDO:0010328, OMIM 300448.
Alpha thalassemia-X-linked intellectual disability syndrome (ATRX). Also called: X-linked alpha-thalassemia-mental retardation syndrome; ALPHA-THALASSEMIA/MENTAL RETARDATION SYNDROME, X-LINKED; ATR, NONDELETION TYPE; ATR-X syndrome; Alpha thalassemia mental retardation syndrome, nondeletion type, X-linked; XLMR hypotonic face syndrome. Identifiers: Orphanet 847, MedGen C1845055, MONDO:0010519, OMIM 301040.
Intellectual disability-hypotonic facies syndrome, X-linked, 1 (MRXHF1). Also called: Smith Fineman Myers syndrome 1; X-linked intellectual disability-hypotonic face syndrome; XLMR-HYPOTONIC FACIES SYNDROME; CHUDLEY-LOWRY SYNDROME; Chudley syndrome 1; Chudley-Lowry-Hoar syndrome. Identifiers: Orphanet 73220, Orphanet 93970, Orphanet 93971, Orphanet 93972, Orphanet 93973, Orphanet 93974, Orphanet 93975, MedGen C4759781, MONDO:0010663, OMIM 309580.

Allele frequency attached by ClinVar (database versions not stated): gnomAD exomes 0.00270 and 0.00780; ExAC 0.00966; 1000 Genomes Project 0.01960; 1000 Genomes Project 30x 0.02060; gnomAD 0.02794 and 0.03016; TOPMed 0.03175; ESP Exome Variant Server 0.03665.
gnomAD v4.1: 6,199 of 1,208,385 alleles (0.51%); highest among the groups gnomAD compares: African/African-American, 9.8%; 233 homozygotes.

Submissions (12):

Labcorp Genetics (formerly Invitae), Labcorp
Classification: Benign for Alpha thalassemia-X-linked intellectual disability syndrome. Last evaluated: 2026-02-04. Review status: criteria provided, single submitter. Criteria: Invitae Variant Classification Sherloc (09022015). Collection method: clinical testing. Allele origin: germline.

Fulgent Genetics
Classification: Likely benign for Acquired hemoglobin H disease; Alpha thalassemia-X-linked intellectual disability syndrome; Intellectual disability-hypotonic facies syndrome, X-linked, 1. Last evaluated: 2021-09-27. Review status: criteria provided, single submitter. Criteria: ACMG Guidelines, 2015. Collection method: clinical testing. Allele origin: unknown.

Mayo Clinic Laboratories, Mayo Clinic
Classification: Benign. Last evaluated: 2018-04-10. Review status: criteria provided, single submitter. Criteria: ACMG Guidelines, 2015. Collection method: clinical testing. Allele origin: germline. Observed: 13 variant alleles.

GeneDx
Classification: Benign. Last evaluated: 2015-03-03. Review status: criteria provided, single submitter. Criteria: GeneDx Variant Classification Process June 2021. Collection method: clinical testing. Allele origin: germline. Affected: yes.

Ambry Genetics
Classification: Benign for Inborn genetic diseases. Last evaluated: 2014-12-13. Review status: criteria provided, single submitter. Criteria: Ambry Variant Classification Scheme 2023. Collection method: clinical testing. Allele origin: germline.

Eurofins Ntd Llc (ga)
Classification: Benign. Last evaluated: 2014-06-19. Review status: criteria provided, single submitter. Criteria: EGL Classification Definitions 2015. Collection method: clinical testing. Allele origin: germline. Observed: 1 variant allele, 1 heterozygote.

Breakthrough Genomics
Classification: Benign. Review status: criteria provided, single submitter. Criteria: ACMG Guidelines, 2015. Collection method: not provided. Allele origin: germline. Inheritance: X-linked inheritance. Affected: yes.

Natera, Inc.
Classification: Benign for X-linked alpha-thalassemia-mental retardation syndrome. Last evaluated: 2020-09-16. Review status: no assertion criteria provided. Collection method: clinical testing. Allele origin: germline. Not counted in ClinVar's aggregate classification.

Diagnostic Laboratory, Department of Genetics, University Medical Center Groningen
Classification: Benign. Review status: no assertion criteria provided. Collection method: clinical testing. Allele origin: germline. Affected: yes. Study: VKGL Data-share Consensus. Not counted in ClinVar's aggregate classification.

Genetic Services Laboratory, University of Chicago
Classification: Likely benign for AllHighlyPenetrant. Review status: no assertion criteria provided. Collection method: clinical testing. Allele origin: germline. Inheritance: X-linked inheritance. Not counted in ClinVar's aggregate classification.
Comment: Likely benign based on allele frequency in 1000 Genomes Project or ESP global frequency and its presence in a patient with a rare or unrelated disease phenotype. NOT Sanger confirmed.

Joint Genome Diagnostic Labs from Nijmegen and Maastricht, Radboudumc and MUMC+
Classification: Benign. Review status: no assertion criteria provided. Collection method: clinical testing. Allele origin: germline. Affected: yes. Study: VKGL Data-share Consensus. Not counted in ClinVar's aggregate classification.

Laboratory of Diagnostic Genome Analysis, Leiden University Medical Center (LUMC)
Classification: Benign. Review status: no assertion criteria provided. Collection method: clinical testing. Allele origin: germline. Affected: yes. Study: VKGL Data-share Consensus. Not counted in ClinVar's aggregate classification.

NM_000489.6(ATRX):c.228G>A (p.Ser76=)

Gene: ATRX (ATRX chromatin remodeler; minus strand). Cytogenetic location: Xq21.1.
Variant type: single nucleotide variant.
Coding change: c.228G>A on transcript NM_000489.6 (MANE Select); coding-DNA position 228, G replaced by A.
Protein change: p.Ser76=; no amino-acid change (serine 76 retained).
Molecular consequence: synonymous variant.
Genome position (GRCh38, 1-based): chrX:77,697,597, C>T on the plus strand (G>A on the coding strand, the complement: ATRX is on the minus strand). VCF-style: chrX-77697597-C-T. GRCh37 (hg19) VCF-style: chrX-76953085-C-T.
Other names: p.Ser76=; c.228G>A, p.Ser76= (NM_138270.5).
Identifiers: ClinVar variation 128495 (VCV000128495.37), dbSNP rs5959371, ClinGen allele CA151978.